The following is an entry in ClinVar:

ClinVar aggregate classification (germline): Uncertain significance (1 of 4 stars; one submission).

Submission:

Labcorp Genetics (formerly Invitae), Labcorp
Classification: Uncertain significance. Last evaluated: 2022-08-21. Review status: criteria provided, single submitter. Criteria: Invitae Variant Classification Sherloc (09022015). Collection method: clinical testing. Allele origin: germline.
Comment: In summary, the available evidence is currently insufficient to determine the role of this variant in disease. Therefore, it has been classified as a Variant of Uncertain Significance. Experimental studies and prediction algorithms are not available or were not evaluated, and the effect of this variant on mRNA splicing is currently unknown. This variant has not been reported in the literature in individuals affected with NARS2-related conditions. This variant is not present in population databases (gnomAD no frequency). This sequence change falls in intron 1 of the NARS2 gene. It does not directly change the encoded amino acid sequence of the NARS2 protein.

NM_024678.6(NARS2):c.141+8_141+9insAAGATCCAGGTTGGTGATTGAGAAATCGGATGGTTGCCGTGTCTGTGTAGAAAGAAGTAGACATGGGAGACTGTTCATTTTGTTCTGCACTAANNNNNNNNNNAAAAAAAAAAAAAAAAAAAA

Genes: NARS2 (asparaginyl-tRNA synthetase 2, mitochondrial; minus strand), LOC130006508 (ATAC-STARR-seq lymphoblastoid active region 5327; plus strand). Cytogenetic location: 11q14.1.
Variant type: Insertion.
Coding change: c.141+8_141+9insAAGATCCAGGTTGGTGATTGAGAAATCGGATGGTTGCCGTGTCTGTGTAGAAAGAAGTAGACATGGGAGACTGTTCATTTTGTTCTGCACTAANNNNNNNNNNAAAAAAAAAAAAAAAAAAAA on transcript NM_024678.6 (MANE Select); bases 8 to 9 of the intron after coding-DNA position 141, AAGATCCAGGTTGGTGATTGAGAAATCGGATGGTTGCCGTGTCTGTGTAGAAAGAAGTAGACATGGGAGACTGTTCATTTTGTTCTGCACTAANNNNNNNNNNAAAAAAAAAAAAAAAAAAAA inserted.
Molecular consequence: splice donor variant. On other transcripts: intron variant (1).
Genome position: GRCh38: chr11:78,574,356-78,574,357. GRCh37 (hg19): chr11:78,285,401-78,285,402.
Other names: c.-541+489_-541+490insAAGATCCAGGTTGGTGATTGAGAAATCGGATGGTTGCCGTGTCTGTGTAGAAAGAAGTAGACATGGGAGACTGTTCATTTTGTTCTGCACTAANNNNNNNNNNAAAAAAAAAAAAAAAAAAAA (NM_001243251.2).
Identifiers: ClinVar variation 2025766 (VCV002025766.4), dbSNP rs2497195824.